The following is an entry in ClinVar:

NM_024675.4(PALB2):c.2739C>T (p.His913=)

Gene: PALB2 (partner and localizer of BRCA2; minus strand). Cytogenetic location: 16p12.2.
Variant type: single nucleotide variant.
Coding change: c.2739C>T on transcript NM_024675.4 (MANE Select); coding-DNA position 2739, C replaced by T.
Protein change: p.His913=; no amino-acid change (histidine 913 retained).
Molecular consequence: synonymous variant. On other transcripts: intron variant (3).
Genome position (GRCh38, 1-based): chr16:23,626,245, G>A on the plus strand (C>T on the coding strand, the complement: PALB2 is on the minus strand). VCF-style: chr16-23626245-G-A. GRCh37 (hg19) VCF-style: chr16-23637566-G-A.
Other names: c.2679C>T, p.His893= (NM_001407296.1); c.2667C>T, p.His889= (NM_001407297.1); c.2739C>T, p.His913= (NM_001407299.1, NM_001407300.1, NM_001407301.1); c.1854C>T, p.His618= (NM_001407304.1, NM_001407305.1, NM_001407306.1 and 4 more transcripts); c.951C>T, p.His317= (NM_001407312.1, NM_001407313.1); c.273C>T, p.His91= (NM_001407314.1); c.2587-2151C>T (NM_001407302.1, NM_001407298.1); c.1702-2151C>T (NM_001407307.1).
Identifiers: ClinVar variation 1795384 (VCV001795384.4), dbSNP rs876660557, ClinGen allele CA494161168.

ClinVar aggregate classification (germline): Benign/Likely benign. Review status: criteria provided, multiple submitters, no conflicts (2 of 4 stars). 3 submissions from 3 submitters: Benign (1); Likely benign (2). Last evaluated 2025-02-12.

Conditions:
Hereditary cancer-predisposing syndrome. Also called: Tumor predisposition; Hereditary Cancer Syndrome; Neoplastic Syndromes, Hereditary; Hereditary neoplastic syndrome. Identifiers: Orphanet 140162, MedGen C0027672, MeSH D009386, MONDO:0015356.
Familial cancer of breast. Also called: Hereditary breast cancer; BREAST CANCER, FAMILIAL; hereditary breast carcinoma. Identifiers: Orphanet 227535, MedGen C0346153, MONDO:0016419, OMIM 114480. Disease mechanism: loss of function.

Allele frequency attached by ClinVar (database versions not stated): gnomAD exomes 0.00001.

Submissions (3):

Labcorp Genetics (formerly Invitae), Labcorp
Classification: Likely benign for Familial cancer of breast. Last evaluated: 2025-02-12. Review status: criteria provided, single submitter. Criteria: Invitae Variant Classification Sherloc (09022015). Collection method: clinical testing. Allele origin: germline.

Myriad Genetics, Inc.
Classification: Benign for Familial cancer of breast. Last evaluated: 2025-01-17. Review status: criteria provided, single submitter. Criteria: Myriad Autosomal Dominant, Autosomal Recessive and X-Linked Classification Criteria (2023). Collection method: clinical testing. Allele origin: unknown.
Comment: This variant is considered benign. This variant is a silent/synonymous amino acid change and it is not expected to impact splicing.

Ambry Genetics
Classification: Likely benign for Hereditary cancer-predisposing syndrome. Last evaluated: 2021-06-08. Review status: criteria provided, single submitter. Criteria: Ambry Variant Classification Scheme 2023. Collection method: clinical testing. Allele origin: germline.